The following is an entry in ClinVar:

ClinVar aggregate classification (germline): Uncertain significance (1 of 4 stars; one submission).

Conditions:
Charcot-Marie-Tooth disease type 2. Also called: Charcot-Marie-Tooth type 2. Identifiers: Orphanet 64746, MedGen C0270914, MONDO:0018993.

Allele frequency attached by ClinVar (database versions not stated): gnomAD 0.00001 and 0.00002; TOPMed 0.00001.
gnomAD v4.1: 1 of 1,614,018 alleles (0.000062%); highest among the groups gnomAD compares: Admixed American, 0.0017%; no homozygotes.

Submission:

Labcorp Genetics (formerly Invitae), Labcorp
Classification: Uncertain significance for Charcot-Marie-Tooth disease type 2. Last evaluated: 2026-01-28. Review status: criteria provided, single submitter. Criteria: Invitae Variant Classification Sherloc (09022015). Collection method: clinical testing. Allele origin: germline.
Comment: This sequence change replaces glutamine, which is neutral and polar, with arginine, which is basic and polar, at codon 355 of the AARS protein (p.Gln355Arg). This variant is not present in population databases (gnomAD no frequency). This variant has not been reported in the literature in individuals affected with AARS-related conditions. ClinVar contains an entry for this variant (Variation ID: 656540). Invitae Evidence Modeling of protein sequence and biophysical properties (such as structural, functional, and spatial information, amino acid conservation, physicochemical variation, residue mobility, and thermodynamic stability) indicates that this missense variant is not expected to disrupt AARS protein function with a negative predictive value of 95%. In summary, the available evidence is currently insufficient to determine the role of this variant in disease. Therefore, it has been classified as a Variant of Uncertain Significance.

NM_001605.3(AARS1):c.1064A>G (p.Gln355Arg)

Gene: AARS1 (alanyl-tRNA synthetase 1; minus strand). Cytogenetic location: 16q22.1.
Variant type: single nucleotide variant.
Coding change: c.1064A>G on transcript NM_001605.3 (MANE Select); coding-DNA position 1064, A replaced by G.
Protein change: p.Gln355Arg; replaces glutamine 355 with arginine.
Molecular consequence: missense variant.
Genome position (GRCh38, 1-based): chr16:70,268,278, T>C on the plus strand (A>G on the coding strand, the complement: AARS1 is on the minus strand). VCF-style: chr16-70268278-T-C. GRCh37 (hg19) VCF-style: chr16-70302181-T-C.
Other names: short protein forms Q355R.
Identifiers: ClinVar variation 656540 (VCV000656540.8), dbSNP rs1597441035, ClinGen allele CA396564068.